The following is an entry in ClinVar:

NM_000179.3(MSH6):c.3938T>A (p.Ile1313Asn)

Gene: MSH6 (mutS homolog 6; plus strand). Cytogenetic location: 2p16.3.
Variant type: single nucleotide variant.
Coding change: c.3938T>A on transcript NM_000179.3 (MANE Select); coding-DNA position 3938, T replaced by A.
Protein change: p.Ile1313Asn; replaces isoleucine 1313 with asparagine.
Molecular consequence: missense variant.
Genome position (GRCh38, 1-based): chr2:47,806,588, T>A. VCF-style: chr2-47806588-T-A. GRCh37 (hg19) VCF-style: chr2-48033727-T-A.
Other names: c.3548T>A, p.Ile1183Asn (NM_001281492.2); c.3032T>A, p.Ile1011Asn (NM_001281493.2, NM_001281494.2); short protein forms I1011N, I1183N, I1313N.
Identifiers: ClinVar variation 921739 (VCV000921739.12), dbSNP rs762115705, ClinGen allele CA346761496.

ClinVar aggregate classification (germline): Uncertain significance. Review status: criteria provided, multiple submitters, no conflicts (2 of 4 stars). 3 submissions from 3 submitters: Uncertain significance (3). Last evaluated 2024-05-26.

Conditions:
Hereditary nonpolyposis colorectal neoplasms. Identifiers: MedGen C0009405, MeSH D003123.
Hereditary cancer-predisposing syndrome. Also called: Neoplastic Syndromes, Hereditary; Tumor predisposition; Hereditary Cancer Syndrome; Hereditary neoplastic syndrome. Identifiers: Orphanet 140162, MedGen C0027672, MeSH D009386, MONDO:0015356.

gnomAD v4.1: 1 of 1,613,590 alleles (0.000062%); highest among the groups gnomAD compares: Non-Finnish European, 0.000085%; no homozygotes.

Submissions (3):

Labcorp Genetics (formerly Invitae), Labcorp
Classification: Uncertain significance for Hereditary nonpolyposis colorectal neoplasms. Last evaluated: 2024-05-26. Review status: criteria provided, single submitter. Criteria: Invitae Variant Classification Sherloc (09022015). Collection method: clinical testing. Allele origin: germline.
Comment: This sequence change replaces isoleucine, which is neutral and non-polar, with asparagine, which is neutral and polar, at codon 1313 of the MSH6 protein (p.Ile1313Asn). This variant is not present in population databases (gnomAD no frequency). This variant has not been reported in the literature in individuals affected with MSH6-related conditions. ClinVar contains an entry for this variant (Variation ID: 921739). Advanced modeling of protein sequence and biophysical properties (such as structural, functional, and spatial information, amino acid conservation, physicochemical variation, residue mobility, and thermodynamic stability) has been performed at Invitae for this missense variant, however the output from this modeling did not meet the statistical confidence thresholds required to predict the impact of this variant on MSH6 protein function. In summary, the available evidence is currently insufficient to determine the role of this variant in disease. Therefore, it has been classified as a Variant of Uncertain Significance.

Color Diagnostics, LLC DBA Color Health
Classification: Uncertain significance for Hereditary cancer-predisposing syndrome. Last evaluated: 2024-03-06. Review status: criteria provided, single submitter. Criteria: ACMG Guidelines, 2015. Collection method: clinical testing. Allele origin: germline.
Comment: This missense variant replaces isoleucine with asparagine at codon 1313 of the MSH6 protein. Computational prediction tool suggests that this variant may have deleterious impact on protein structure and function (internally defined REVEL score threshold >=0.7, PMID: 27666373). Splice site prediction tools suggest that this variant may not impact RNA splicing. To our knowledge, functional studies have not been performed for this variant. This variant has not been reported in individuals affected with hereditary cancer in the literature. This variant has not been identified in the general population by the Genome Aggregation Database (gnomAD). The available evidence is insufficient to determine the role of this variant in disease conclusively. Therefore, this variant is classified as a Variant of Uncertain Significance.

Ambry Genetics
Classification: Uncertain significance for Hereditary cancer-predisposing syndrome. Last evaluated: 2022-07-12. Review status: criteria provided, single submitter. Criteria: Ambry Variant Classification Scheme 2023. Collection method: clinical testing. Allele origin: germline.
Comment: The p.I1313N variant (also known as c.3938T>A), located in coding exon 9 of the MSH6 gene, results from a T to A substitution at nucleotide position 3938. The isoleucine at codon 1313 is replaced by asparagine, an amino acid with dissimilar properties. This amino acid position is conserved. In addition, this alteration is predicted to be deleterious by in silico analysis. Since supporting evidence is limited at this time, the clinical significance of this alteration remains unclear.